The following is an entry in ClinVar:

ClinVar aggregate classification (germline): Pathogenic (1 of 4 stars; one submission).

Submission:

GeneDx
Classification: Pathogenic. Last evaluated: 2015-04-15. Review status: criteria provided, single submitter. Criteria: GeneDx Variant Classification (06012015). Collection method: clinical testing. Allele origin: germline. Affected: yes.
Comment: Although the c.6363dupC pathogenic variant in the FLNA gene has not been reported to our knowledge, this variant causes a shift in reading frame starting at codon Phenylalanine 2122, changing it to a Leucine, and creating a premature stop codon at position 29 of the new reading frame, denoted p.Phe2122LeufsX29. This variant is expected to result in either an abnormal, truncated protein product or loss of protein from this allele through nonsense-mediated mRNA decay. Other frameshift variants in the FLNA gene have been reported in HGMD in association with FLNA-related disorders (Stenson P et al., 2014). In summary, c.6363dupC in the FLNA gene is interpreted as a pathogenic variant.

NM_001110556.2(FLNA):c.6387dup (p.Phe2130fs)

Gene: FLNA (filamin A; minus strand). Cytogenetic location: Xq28.
Variant type: Duplication.
Coding change: c.6387dup on transcript NM_001110556.2 (MANE Select); coding-DNA position 6387, one base duplicated (C; older notation c.6387dupC).
Protein change: p.Phe2130fs; shifts the reading frame from phenylalanine 2130.
Molecular consequence: frameshift variant.
Genome position (GRCh38, 1-based): chrX:154,352,668, G duplicated on the plus strand (C on the coding strand, the reverse complement: FLNA is on the minus strand); the first of 4 consecutive G bases (chrX:154,352,668-154,352,671); duplicating any one gives the same sequence. VCF-style (leftmost placement, unchanged base first): chrX-154352667-A-AG. GRCh37 (hg19) VCF-style: chrX-153581035-A-AG.
Other names: c.6363dupC (NM_001456.3); c.6363dup, p.Phe2122fs (NM_001456.4); short protein forms F2122fs, F2130fs.
Identifiers: ClinVar variation 213496 (VCV000213496.2), dbSNP rs863223634, ClinGen allele CA337274732.